The following is an entry in ClinVar:

NM_001371928.1(AHDC1):c.1597G>A (p.Val533Ile)

Gene: AHDC1 (AT-hook DNA binding motif containing 1; minus strand). Cytogenetic location: 1p36.11.
Variant type: single nucleotide variant.
Coding change: c.1597G>A on transcript NM_001371928.1 (MANE Select); coding-DNA position 1597, G replaced by A.
Protein change: p.Val533Ile; replaces valine 533 with isoleucine.
Molecular consequence: missense variant.
Genome position (GRCh38, 1-based): chr1:27,550,519, C>T on the plus strand (G>A on the coding strand, the complement: AHDC1 is on the minus strand). VCF-style: chr1-27550519-C-T. GRCh37 (hg19) VCF-style: chr1-27877030-C-T.
Other names: c.1597G>A, p.Val533Ile (NM_001029882.3); short protein forms V533I.
Identifiers: ClinVar variation 3774226 (VCV003774226.1).

ClinVar aggregate classification (germline): Uncertain significance (1 of 4 stars; one submission).

Submission:

GeneDx
Classification: Uncertain significance. Last evaluated: 2024-09-21. Review status: criteria provided, single submitter. Criteria: GeneDx Variant Classification Process June 2021. Collection method: clinical testing. Allele origin: germline. Affected: yes.
Comment: Not observed at significant frequency in large population cohorts (gnomAD); In silico analysis indicates that this missense variant does not alter protein structure/function; Has not been previously published as pathogenic or benign to our knowledge